The following is an entry in ClinVar:

ClinVar aggregate classification (germline): Uncertain significance (1 of 4 stars; one submission).

Conditions:
Hyperekplexia 1 (STHE). Also called: HYPEREKPLEXIA 1, AUTOSOMAL DOMINANT; HYPEREKPLEXIA 1, AUTOSOMAL RECESSIVE; EXAGGERATED STARTLE REACTION; KOK DISEASE; STARTLE DISEASE, FAMILIAL; STIFF-BABY SYNDROME. Identifiers: Orphanet 3197, MedGen C4551954, MONDO:0007868, OMIM 149400.

Submission:

Neuberg Centre For Genomic Medicine, NCGM
Classification: Uncertain significance for Hyperekplexia 1. Review status: criteria provided, single submitter. Criteria: ACMG Guidelines, 2015. Collection method: clinical testing. Allele origin: germline. Inheritance: Autosomal recessive inheritance. Affected: yes.
Comment: The start lost c.2T>C p.Met1? variant in the GLRA1 gene has not been reported previously as a pathogenic variant nor as a benign variant, to our knowledge. This variant is absent in gnomAD Exomes. The p.Met1? variant is predicted to disrupt the initiation codon, and thus potentially may interfere with protein expression. This variant is predicted to cause loss of normal protein function through protein truncation. However additional literature and functional studies will ber equired to prove the variant is causing start lost. Loss of function variants have been previously reported to be disease causing Bode et al., 2013. For these reasons, this variant has been classified as uncertained significance..

NM_000171.4(GLRA1):c.2T>C (p.Met1Thr)

Gene: GLRA1 (glycine receptor alpha 1; minus strand). Cytogenetic location: 5q33.1.
Variant type: single nucleotide variant.
Coding change: c.2T>C on transcript NM_000171.4 (MANE Select); coding-DNA position 2, T replaced by C.
Protein change: p.Met1Thr; changes the start codon (methionine 1).
Molecular consequence: missense variant, initiator codon variant. On other transcripts: 5 prime UTR variant (1).
Genome position (GRCh38, 1-based): chr5:151,924,548, A>G on the plus strand (T>C on the coding strand, the complement: GLRA1 is on the minus strand). VCF-style: chr5-151924548-A-G. GRCh37 (hg19) VCF-style: chr5-151304109-A-G.
Other names: c.2T>C, p.Met1Thr (NM_001146040.2); c.-120T>C (NM_001292000.2); short protein forms M1T.
Identifiers: ClinVar variation 3391368 (VCV003391368.1).